The following is an entry in ClinVar:

ClinVar aggregate classification (germline): Conflicting classifications of pathogenicity. Review status: criteria provided, conflicting classifications (1 of 4 stars). 8 submissions from 8 submitters: Uncertain significance (5); Likely benign (2). 1 of the submissions does not count toward it. Last evaluated 2025-12-10.

Conditions:
Hereditary breast ovarian cancer syndrome. Also called: Hereditary breast and ovarian cancer syndrome; Hereditary breast and ovarian cancer; Hereditary breast and ovarian cancer syndrome (HBOC); Breast and ovarian cancer; Hereditary breast and/or ovarian cancer syndrome; BRCA1- and BRCA2-Associated Hereditary Breast and Ovarian Cancer. Identifiers: Orphanet 145, MedGen C0677776, MeSH D061325, MONDO:0003582. Disease mechanism: loss of function.
Hereditary cancer-predisposing syndrome. Also called: Neoplastic Syndromes, Hereditary; Tumor predisposition; Hereditary neoplastic syndrome; Hereditary Cancer Syndrome. Identifiers: Orphanet 140162, MedGen C0027672, MeSH D009386, MONDO:0015356.
Breast-ovarian cancer, familial, susceptibility to, 2 (BROVCA2). Also called: BRCA2 Hereditary Breast and Ovarian Cancer. Identifiers: Orphanet 145, MedGen C2675520, MONDO:0012933, OMIM 612555. Disease mechanism: loss of function.

Allele frequency attached by ClinVar (database versions not stated): gnomAD exomes 0.00001 and below 0.00001; ExAC 0.00002; gnomAD 0.00003; TOPMed 0.00005.
gnomAD v4.1: 7 of 1,613,072 alleles (0.00043%); highest among the groups gnomAD compares: African/African-American, 0.0093%; no homozygotes.

Submissions (8):

Labcorp Genetics (formerly Invitae), Labcorp
Classification: Uncertain significance for Hereditary breast ovarian cancer syndrome. Last evaluated: 2025-12-10. Review status: criteria provided, single submitter. Criteria: Invitae Variant Classification Sherloc (09022015). Collection method: clinical testing. Allele origin: germline.
Comment: This sequence change replaces aspartic acid, which is acidic and polar, with glycine, which is neutral and non-polar, at codon 1781 of the BRCA2 protein (p.Asp1781Gly). This variant is present in population databases (rs80358756, gnomAD 0.01%). This missense change has been observed in individual(s) with breast cancer (PMID: 12491487). ClinVar contains an entry for this variant (Variation ID: 51840). Invitae Evidence Modeling of protein sequence and biophysical properties (such as structural, functional, and spatial information, amino acid conservation, physicochemical variation, residue mobility, and thermodynamic stability) indicates that this missense variant is not expected to disrupt BRCA2 protein function with a negative predictive value of 95%. Experimental studies have shown that this missense change does not substantially affect BRCA2 function (PMID: 33293522). In summary, the available evidence is currently insufficient to determine the role of this variant in disease. Therefore, it has been classified as a Variant of Uncertain Significance.

Ambry Genetics
Classification: Uncertain significance for Hereditary cancer-predisposing syndrome. Last evaluated: 2025-01-23. Review status: criteria provided, single submitter. Criteria: Ambry Variant Classification Scheme 2023. Collection method: clinical testing. Allele origin: germline.
Comment: The p.D1781G variant (also known as c.5342A>G), located in coding exon 10 of the BRCA2 gene, results from an A to G substitution at nucleotide position 5342. The aspartic acid at codon 1781 is replaced by glycine, an amino acid with similar properties. This alteration behaved like known benign variants in a mouse embryonic stem cell survival and drug sensitivity assay, however these assays are not validated for variants outside the BRCA2 DNA Binding Domain (Biswas K et al. NPJ Genom Med, 2020 Dec;5:52). This amino acid position is poorly conserved in available vertebrate species. In addition, this alteration is predicted to be tolerated by in silico analysis. Since supporting evidence is limited at this time, the clinical significance of this alteration remains unclear.

All of Us Research Program, National Institutes of Health
Classification: Uncertain significance for Breast-ovarian cancer, familial, susceptibility to, 2. Last evaluated: 2023-11-20. Review status: criteria provided, single submitter. Criteria: ACMG Guidelines, 2015. Collection method: clinical testing. Allele origin: germline. Inheritance: Autosomal dominant inheritance. Observed: 2 variant alleles, 2 heterozygotes.
Comment: This missense variant replaces aspartic acid with glycine at codon 1781 of the BRCA2 protein. Computational prediction suggests that this variant may not impact protein structure and function (internally defined REVEL score threshold <= 0.5, PMID: 27666373). A functional study in mouse embryonic stem cells has shown this variant does not impact function in cell survival or drug sensitivity assays (PMID: 33293522). This variant has been reported in an individual affected with breast cancer (PMID: 12491487). This variant has been identified in 3/282100 chromosomes in the general population by the Genome Aggregation Database (gnomAD). The available evidence is insufficient to determine the role of this variant in disease conclusively. Therefore, this variant is classified as a Variant of Uncertain Significance.

This study involves interpretation of variants in research participants for the purpose of population health screening. Participant phenotype was not available at the time of variant classification. Additional details can be found in publication PMID: 35346344, PMCID: PMC8962531

Myriad Genetics, Inc.
Classification: Likely benign for Breast-ovarian cancer, familial, susceptibility to, 2. Last evaluated: 2023-07-13. Review status: criteria provided, single submitter. Criteria: Myriad Autosomal Dominant, Autosomal Recessive and X-Linked Classification Criteria (2023). Collection method: clinical testing. Allele origin: unknown.
Comment: This variant is considered likely benign. This variant is strongly associated with less severe personal and family histories of cancer, typical for individuals without pathogenic variants in this gene [PMID: 25085752].

University of Washington Department of Laboratory Medicine, University of Washington
Classification: Likely benign for Hereditary cancer-predisposing syndrome. Last evaluated: 2023-03-23. Review status: criteria provided, single submitter. Criteria: Dines et al. (Genet Med. 2020). Collection method: curation. Allele origin: germline.
Comment: Missense variant in a coldspot region where missense variants are very unlikely to be pathogenic (PMID:31911673).

BRCA2 exon 11 coldspot. Reclassification based on statistical prior probability.

GeneDx
Classification: Uncertain significance. Last evaluated: 2022-05-25. Review status: criteria provided, single submitter. Criteria: GeneDx Variant Classification Process June 2021. Collection method: clinical testing. Allele origin: germline. Affected: yes.
Comment: In silico analysis, which includes protein predictors and evolutionary conservation, supports a deleterious effect; Observed in an individual with endometrial cancer (Lu 2015); Not observed at significant frequency in large population cohorts (gnomAD); Also known as 5570A>G; This variant is associated with the following publications: (PMID: 31131967, 10923033, 12491487, 26689913)

Quest Diagnostics Nichols Institute San Juan Capistrano
Classification: Uncertain significance. Last evaluated: 2021-06-16. Review status: criteria provided, single submitter. Criteria: Quest Diagnostics criteria. Collection method: clinical testing. Allele origin: unknown.

Breast Cancer Information Core (BIC) (BRCA2)
Classification: Uncertain significance for Breast-ovarian cancer, familial 2. Review status: no assertion criteria provided. Collection method: clinical testing. Allele origin: germline. Affected: yes. Observed: 1 variant allele. Not counted in ClinVar's aggregate classification.

Literature cited by the submitters: PubMed 12491487 (cited by 4 submitters); PubMed 33293522 (cited by 4 submitters); PubMed 25085752 (cited by Myriad Genetics, Inc.).

NM_000059.4(BRCA2):c.5342A>G (p.Asp1781Gly)

Gene: BRCA2 (BRCA2 DNA repair associated; plus strand). Cytogenetic location: 13q13.1.
Variant type: single nucleotide variant.
Coding change: c.5342A>G on transcript NM_000059.4 (MANE Select); coding-DNA position 5342, A replaced by G.
Protein change: p.Asp1781Gly; replaces aspartic acid 1781 with glycine.
Molecular consequence: missense variant.
Genome position (GRCh38, 1-based): chr13:32,339,697, A>G. VCF-style: chr13-32339697-A-G. GRCh37 (hg19) VCF-style: chr13-32913834-A-G.
Other names: short protein forms D1781G.
Identifiers: ClinVar variation 51840 (VCV000051840.23), dbSNP rs80358756, ClinGen allele CA022044.